The following is an entry in ClinVar:

ClinVar aggregate classification (germline): Uncertain significance. Review status: criteria provided, multiple submitters, no conflicts (2 of 4 stars). 2 submissions from 2 submitters: Uncertain significance (2). Last evaluated 2025-10-06.

Conditions:
Hereditary cancer-predisposing syndrome. Also called: Hereditary neoplastic syndrome; Neoplastic Syndromes, Hereditary; Tumor predisposition; Hereditary Cancer Syndrome. Identifiers: Orphanet 140162, MedGen C0027672, MeSH D009386, MONDO:0015356.

Submissions (2):

Labcorp Genetics (formerly Invitae), Labcorp
Classification: Uncertain significance. Last evaluated: 2025-10-06. Review status: criteria provided, single submitter. Criteria: Invitae Variant Classification Sherloc (09022015). Collection method: clinical testing. Allele origin: germline.
Comment: This sequence change replaces glycine, which is neutral and non-polar, with arginine, which is basic and polar, at codon 1073 of the POLE protein (p.Gly1073Arg). This variant is not present in population databases (gnomAD no frequency). This variant has not been reported in the literature in individuals affected with POLE-related conditions. Invitae Evidence Modeling of protein sequence and biophysical properties (such as structural, functional, and spatial information, amino acid conservation, physicochemical variation, residue mobility, and thermodynamic stability) indicates that this missense variant is expected to disrupt POLE protein function with a positive predictive value of 80%. In summary, the available evidence is currently insufficient to determine the role of this variant in disease. Therefore, it has been classified as a Variant of Uncertain Significance.

Ambry Genetics
Classification: Uncertain significance for Hereditary cancer-predisposing syndrome. Last evaluated: 2025-08-02. Review status: criteria provided, single submitter. Criteria: Ambry Variant Classification Scheme 2023. Collection method: clinical testing. Allele origin: germline.
Comment: The p.G1073R variant (also known as c.3217G>A), located in coding exon 26 of the POLE gene, results from a G to A substitution at nucleotide position 3217. The glycine at codon 1073 is replaced by arginine, an amino acid with dissimilar properties. This amino acid position is conserved. In addition, this alteration is predicted to be deleterious by in silico analysis. Based on the available evidence, the clinical significance of this variant remains unclear.

NM_006231.4(POLE):c.3217G>A (p.Gly1073Arg)

Gene: POLE (DNA polymerase epsilon, catalytic subunit; minus strand). Cytogenetic location: 12q24.33.
Variant type: single nucleotide variant.
Coding change: c.3217G>A on transcript NM_006231.4 (MANE Select); coding-DNA position 3217, G replaced by A.
Protein change: p.Gly1073Arg; replaces glycine 1073 with arginine.
Molecular consequence: missense variant.
Genome position (GRCh38, 1-based): chr12:132,659,353, C>T on the plus strand (G>A on the coding strand, the complement: POLE is on the minus strand). VCF-style: chr12-132659353-C-T. GRCh37 (hg19) VCF-style: chr12-133235939-C-T.
Other names: short protein forms G1073R.
Identifiers: ClinVar variation 4141189 (VCV004141189.2).